The following is an entry in ClinVar:

NM_033124.5(DRC2):c.1280A>G (p.Asp427Gly)

Gene: DRC2 (dynein regulatory complex subunit 2; plus strand). Cytogenetic location: 12q13.12.
Variant type: single nucleotide variant.
Coding change: c.1280A>G on transcript NM_033124.5 (MANE Select); coding-DNA position 1280, A replaced by G.
Protein change: p.Asp427Gly; replaces aspartic acid 427 with glycine.
Molecular consequence: missense variant.
Genome position (GRCh38, 1-based): chr12:48,921,268, A>G. VCF-style: chr12-48921268-A-G. GRCh37 (hg19) VCF-style: chr12-49315051-A-G.
Other names: c.851A>G, p.Asp284Gly (NM_001286957.2); short protein forms D427G, D284G.
Identifiers: ClinVar variation 411131 (VCV000411131.12), dbSNP rs866658813, ClinGen allele CA16614138.
Genomic context (GRCh38, chr12:48,921,268, plus strand): 5'-GGTACAACAAAGTGAAACTGGAGCAACTGAGCCTCCAACATAGACGAGCCCAGCTGCTAG[A>G]TATCAATGGGAAGCTGCGGGAGATGCTGAAGCAGTACTTGGATGGCATCTCAGTGAGTGA-3'
Protein context (NP_149115.2, residues 417-437): SLQHRRAQLL[Asp427Gly]INGKLREMLK

ClinVar aggregate classification (germline): Conflicting classifications of pathogenicity. Review status: criteria provided, conflicting classifications (1 of 4 stars). 4 submissions from 4 submitters: Uncertain significance (3); Likely benign (1). Last evaluated 2025-09-28.

Conditions:
Primary ciliary dyskinesia 27. Also called: CILIARY DYSKINESIA, PRIMARY, 27, WITHOUT SITUS INVERSUS. Identifiers: Orphanet 244, MedGen C3809701, MONDO:0014215, OMIM 615504.

Allele frequency attached by ClinVar (database versions not stated): gnomAD exomes 0.00001 and 0.00005; TOPMed 0.00001; gnomAD 0.00002 and 0.00003.
gnomAD v4.1: 78 of 1,614,258 alleles (0.0048%); highest among the groups gnomAD compares: Middle Eastern, 0.45%; 1 homozygote.

Submissions (4):

Labcorp Genetics (formerly Invitae), Labcorp
Classification: Uncertain significance for Primary ciliary dyskinesia 27. Last evaluated: 2025-09-28. Review status: criteria provided, single submitter. Criteria: Invitae Variant Classification Sherloc (09022015). Collection method: clinical testing. Allele origin: germline.
Comment: This sequence change replaces aspartic acid, which is acidic and polar, with glycine, which is neutral and non-polar, at codon 427 of the CCDC65 protein (p.Asp427Gly). This variant is present in population databases (no rsID available, gnomAD 0.004%). This variant has not been reported in the literature in individuals affected with CCDC65-related conditions. ClinVar contains an entry for this variant (Variation ID: 411131). An algorithm developed to predict the effect of missense changes on protein structure and function (PolyPhen-2) suggests that this variant is likely to be tolerated. In summary, the available evidence is currently insufficient to determine the role of this variant in disease. Therefore, it has been classified as a Variant of Uncertain Significance.

Blueprint Genetics
Classification: Likely benign. Last evaluated: 2024-08-29. Review status: criteria provided, single submitter. Criteria: ACMG Guidelines, 2015. Collection method: clinical testing. Allele origin: germline.

Baylor Genetics
Classification: Uncertain significance for Primary ciliary dyskinesia 27. Last evaluated: 2019-07-16. Review status: criteria provided, single submitter. Criteria: ACMG Guidelines, 2015. Collection method: clinical testing. Allele origin: unknown. Affected: yes.
Comment: This variant was determined to be of uncertain significance according to ACMG Guidelines, 2015 [PMID:25741868].

Breakthrough Genomics
Classification: Uncertain significance. Review status: criteria provided, single submitter. Criteria: ACMG Guidelines, 2015. Collection method: not provided. Allele origin: germline. Inheritance: Autosomal recessive inheritance. Affected: yes.